The following is an entry in ClinVar:

NM_032776.3(JMJD1C):c.7534-13A>G

Gene: JMJD1C (jumonji domain containing 1C; minus strand). Cytogenetic location: 10q21.3.
Variant type: single nucleotide variant.
Coding change: c.7534-13A>G on transcript NM_032776.3 (MANE Select); 13 bases into the intron before coding-DNA position 7534, A replaced by G.
Molecular consequence: intron variant.
Genome position (GRCh38, 1-based): chr10:63,168,147, T>C on the plus strand (A>G on the coding strand, the complement: JMJD1C is on the minus strand). VCF-style: chr10-63168147-T-C. GRCh37 (hg19) VCF-style: chr10-64927907-T-C.
Other names: c.6877-13A>G (NM_001322258.2, NM_001322254.2); c.6988-13A>G (NM_001318154.2, NM_001282948.2); c.7420-13A>G (NM_001322252.2); c.6670-13A>G (NM_001318153.2).
Identifiers: ClinVar variation 3688622 (VCV003688622.2).

ClinVar aggregate classification (germline): Uncertain significance (1 of 4 stars; one submission).

Conditions:
Early Myoclonic Encephalopathy. Identifiers: MedGen C0270855.

Submission:

Labcorp Genetics (formerly Invitae), Labcorp
Classification: Uncertain significance for Early Myoclonic Encephalopathy. Last evaluated: 2024-03-25. Review status: criteria provided, single submitter. Criteria: Invitae Variant Classification Sherloc (09022015). Collection method: clinical testing. Allele origin: germline.
Comment: This sequence change falls in intron 25 of the JMJD1C gene. It does not directly change the encoded amino acid sequence of the JMJD1C protein. This variant is not present in population databases (gnomAD no frequency). This variant has not been reported in the literature in individuals affected with JMJD1C-related conditions. Algorithms developed to predict the effect of sequence changes on RNA splicing suggest that this variant may disrupt the consensus splice site. In summary, the available evidence is currently insufficient to determine the role of this variant in disease. Therefore, it has been classified as a Variant of Uncertain Significance.